The following is an entry in ClinVar:

NM_000455.5(STK11):c.375-13C>T

Gene: STK11 (serine/threonine kinase 11; plus strand). Cytogenetic location: 19p13.3.
Variant type: single nucleotide variant.
Coding change: c.375-13C>T on transcript NM_000455.5 (MANE Select); 13 bases into the intron before coding-DNA position 375, C replaced by T.
Molecular consequence: intron variant.
Genome position (GRCh38, 1-based): chr19:1,219,311, C>T. VCF-style: chr19-1219311-C-T. GRCh37 (hg19) VCF-style: chr19-1219310-C-T.
Identifiers: ClinVar variation 584983 (VCV000584983.5), dbSNP rs1568705244, ClinGen allele CA891843677.

ClinVar aggregate classification (germline): Conflicting classifications of pathogenicity. Review status: criteria provided, conflicting classifications (1 of 4 stars). 3 submissions from 3 submitters: Uncertain significance (1); Likely benign (2). Last evaluated 2025-07-15.

Conditions:
Peutz-Jeghers syndrome (PJS). Also called: POLYPOSIS, HAMARTOMATOUS INTESTINAL; POLYPS-AND-SPOTS SYNDROME; Peutz-Jeghers polyposis; Periorificial lentiginosis syndrome. Identifiers: Orphanet 2869, MedGen C0031269, MeSH D010580, MONDO:0008280, OMIM 175200.

Allele frequency attached by ClinVar (database versions not stated): TOPMed 0.00001.
gnomAD v4.1: 2 of 1,573,092 alleles (0.00013%); highest among the groups gnomAD compares: Non-Finnish European, 0.00017%; no homozygotes.

Submissions (3):

Labcorp Genetics (formerly Invitae), Labcorp
Classification: Likely benign for Peutz-Jeghers syndrome. Last evaluated: 2025-07-15. Review status: criteria provided, single submitter. Criteria: Invitae Variant Classification Sherloc (09022015). Collection method: clinical testing. Allele origin: germline.

All of Us Research Program, National Institutes of Health
Classification: Likely benign for Peutz-Jeghers syndrome. Last evaluated: 2023-08-08. Review status: criteria provided, single submitter. Criteria: ACMG Guidelines, 2015. Collection method: clinical testing. Allele origin: germline. Inheritance: Autosomal dominant inheritance. Observed: 1 variant allele, 1 heterozygote.
Comment: This study involves interpretation of variants in research participants for the purpose of population health screening. Participant phenotype was not available at the time of variant classification. Additional details can be found in publication PMID: 35346344, PMCID: PMC8962531

Mendelics
Classification: Uncertain significance for Peutz-Jeghers syndrome. Last evaluated: 2018-07-02. Review status: criteria provided, single submitter. Criteria: Mendelics Assertion Criteria 2017. Collection method: clinical testing. Allele origin: unknown.